The following is an entry in ClinVar:

NM_006371.5(CRTAP):c.190G>C (p.Val64Leu)

Gene: CRTAP (cartilage associated protein; plus strand). Cytogenetic location: 3p22.3.
Variant type: single nucleotide variant.
Coding change: c.190G>C on transcript NM_006371.5 (MANE Select); coding-DNA position 190, G replaced by C.
Protein change: p.Val64Leu; replaces valine 64 with leucine.
Molecular consequence: missense variant.
Genome position (GRCh38, 1-based): chr3:33,114,267, G>C. VCF-style: chr3-33114267-G-C. GRCh37 (hg19) VCF-style: chr3-33155759-G-C.
Other names: c.190G>C, p.Val64Leu (NM_001393363.1, NM_001393364.1, NM_001393365.1); short protein forms V64L.
Identifiers: ClinVar variation 3047076 (VCV003047076.2), dbSNP rs980362184, ClinGen allele CA352008340.

ClinVar aggregate classification (germline): Uncertain significance (0 of 4 stars; one submission).

Conditions:
CRTAP-related disorder. Also called: CRTAP-related condition.

Allele frequency attached by ClinVar (database versions not stated): gnomAD exomes below 0.00001; TOPMed below 0.00001; gnomAD 0.00001.
gnomAD v4.1: 5 of 1,582,438 alleles (0.00032%); highest among the groups gnomAD compares: Non-Finnish European, 0.00043%; no homozygotes.

Submission:

PreventionGenetics, part of Exact Sciences
Classification: Uncertain significance for CRTAP-related condition. Last evaluated: 2024-02-01. Review status: no assertion criteria provided. Collection method: clinical testing. Allele origin: germline.
Comment: The CRTAP c.190G>C variant is predicted to result in the amino acid substitution p.Val64Leu. To our knowledge, this variant has not been reported in the literature or in a large population database, indicating this variant is rare. At this time, the clinical significance of this variant is uncertain due to the absence of conclusive functional and genetic evidence.